The following is an entry in ClinVar:

NM_017534.6(MYH2):c.5129A>G (p.Gln1710Arg)

Genes: MYH2 (myosin heavy chain 2; minus strand), MYHAS (myosin heavy chain gene cluster antisense RNA; plus strand), LOC126862500 (BRD4-independent group 4 enhancer GRCh37_chr17:10427829-10429028; plus strand). Cytogenetic location: 17p13.1.
Variant type: single nucleotide variant.
Coding change: c.5129A>G on transcript NM_017534.6 (MANE Select); coding-DNA position 5129, A replaced by G.
Protein change: p.Gln1710Arg; replaces glutamine 1710 with arginine.
Molecular consequence: missense variant.
Genome position (GRCh38, 1-based): chr17:10,524,512, T>C on the plus strand (A>G on the coding strand, the complement: MYH2 is on the minus strand). VCF-style: chr17-10524512-T-C. GRCh37 (hg19) VCF-style: chr17-10427829-T-C.
Other names: c.5129A>G, p.Gln1710Arg (NM_001100112.2); short protein forms Q1710R.
Identifiers: ClinVar variation 1256270 (VCV001256270.9), dbSNP rs2142291882, ClinGen allele CA398119023.

ClinVar aggregate classification (germline): Uncertain significance. Review status: criteria provided, multiple submitters, no conflicts (2 of 4 stars). 2 submissions from 2 submitters: Uncertain significance (2). Last evaluated 2025-08-18.

Conditions:
Myopathy, proximal, and ophthalmoplegia (CMYO6). Also called: CONGENITAL MYOPATHY 6 WITH OPHTHALMOPLEGIA; MYOPATHY WITH CONGENITAL JOINT CONTRACTURES, OPHTHALMOPLEGIA, AND RIMMED VACUOLES; INCLUSION BODY MYOPATHY 3, AUTOSOMAL DOMINANT. Identifiers: Orphanet 363677, Orphanet 79091, MedGen C1854106, MONDO:0011577, OMIM 605637.

Submissions (2):

Labcorp Genetics (formerly Invitae), Labcorp
Classification: Uncertain significance for Myopathy, proximal, and ophthalmoplegia. Last evaluated: 2025-08-18. Review status: criteria provided, single submitter. Criteria: Invitae Variant Classification Sherloc (09022015). Collection method: clinical testing. Allele origin: germline.
Comment: This sequence change replaces glutamine, which is neutral and polar, with arginine, which is basic and polar, at codon 1710 of the MYH2 protein (p.Gln1710Arg). This variant is not present in population databases (gnomAD no frequency). This variant has not been reported in the literature in individuals affected with MYH2-related conditions. ClinVar contains an entry for this variant (Variation ID: 1256270). Invitae Evidence Modeling of protein sequence and biophysical properties (such as structural, functional, and spatial information, amino acid conservation, physicochemical variation, residue mobility, and thermodynamic stability) indicates that this missense variant is not expected to disrupt MYH2 protein function with a negative predictive value of 80%. In summary, the available evidence is currently insufficient to determine the role of this variant in disease. Therefore, it has been classified as a Variant of Uncertain Significance.

Athena Diagnostics
Classification: Uncertain significance. Last evaluated: 2020-11-03. Review status: criteria provided, single submitter. Criteria: Athena Diagnostics criteria. Collection method: clinical testing. Allele origin: unknown.